The following is an entry in ClinVar:

ClinVar aggregate classification (germline): Benign/Likely benign. Review status: criteria provided, multiple submitters, no conflicts (2 of 4 stars). 5 submissions from 5 submitters: Benign (2); Likely benign (2). 1 of the submissions does not count toward it. Last evaluated 2026-01-12.

Conditions:
Malignant tumor of esophagus. Also called: Esophageal cancer, somatic; Esophageal cancer. Identifiers: Orphanet 99977, MedGen C0546837, MONDO:0007576, OMIM 133239.
Developmental and epileptic encephalopathy, 1 (DEE1). Also called: X-linked infantile spasms; West's syndrome; Tonic spasms with clustering, arrest of psychomotor development and hypsarrhythmia on EEG; X-Linked Infantile Spasm Syndrome; OHTAHARA SYNDROME, X-LINKED; INFANTILE SPASM SYNDROME, X-LINKED 1. Identifiers: MedGen C3463992, MONDO:0010632, OMIM 308350. Disease mechanism: loss of function.
Autosomal recessive spinocerebellar ataxia 12. Also called: SPINOCEREBELLAR ATAXIA WITH MENTAL RETARDATION AND EPILEPSY. Identifiers: Orphanet 284282, MedGen C3280452, MONDO:0013687, OMIM 614322.

Allele frequency attached by ClinVar (database versions not stated): ESP Exome Variant Server 0.05189; TOPMed 0.05687; gnomAD 0.05744 and 0.05952; 1000 Genomes Project 30x 0.06246; 1000 Genomes Project 0.06470; gnomAD exomes 0.07004 and 0.07326; ExAC 0.08041.
gnomAD v4.1: 109,387 of 1,582,658 alleles (6.9%); highest among the groups gnomAD compares: South Asian, 10%; 4,949 homozygotes.

Submissions (5):

Labcorp Genetics (formerly Invitae), Labcorp
Classification: Benign for Developmental and epileptic encephalopathy, 1; Autosomal recessive spinocerebellar ataxia 12. Last evaluated: 2026-01-12. Review status: criteria provided, single submitter. Criteria: Invitae Variant Classification Sherloc (09022015). Collection method: clinical testing. Allele origin: germline.

GeneDx
Classification: Benign. Last evaluated: 2021-05-19. Review status: criteria provided, single submitter. Criteria: GeneDx Variant Classification Process June 2021. Collection method: clinical testing. Allele origin: germline. Affected: yes.
Comment: This variant is associated with the following publications: (PMID: 26092435, 27884173, 11572989)

Genome Diagnostics Laboratory, University Medical Center Utrecht
Classification: Likely benign for Malignant tumor of esophagus. Last evaluated: 2015-12-09. Review status: criteria provided, single submitter. Criteria: ACGS Guidelines, 2013. Collection method: clinical testing. Allele origin: germline. Affected: yes. Study: VKGL Data-share Consensus.

Breakthrough Genomics
Classification: Likely benign. Review status: criteria provided, single submitter. Criteria: ACMG Guidelines, 2015. Collection method: not provided. Allele origin: germline. Inheritance: Autosomal recessive inheritance. Affected: yes.

Diagnostic Laboratory, Department of Genetics, University Medical Center Groningen
Classification: Benign for Malignant tumor of esophagus. Review status: no assertion criteria provided. Collection method: clinical testing. Allele origin: germline. Affected: yes. Study: VKGL Data-share Consensus. Not counted in ClinVar's aggregate classification.

NM_016373.4(WWOX):c.517-108230A>G

Gene: WWOX (WW domain containing oxidoreductase; plus strand). Cytogenetic location: 16q23.1.
Variant type: single nucleotide variant.
Coding change: c.517-108230A>G on transcript NM_016373.4 (MANE Select); 108230 bases into the intron before coding-DNA position 517, A replaced by G.
Molecular consequence: intron variant. On other transcripts: missense variant (1), non-coding transcript variant (1).
Genome position (GRCh38, 1-based): chr16:78,278,630, A>G. VCF-style: chr16-78278630-A-G. GRCh37 (hg19) VCF-style: chr16-78312527-A-G.
Other names: c.544A>G, p.Lys182Glu (NM_130791.5); c.178-108230A>G (NM_001291997.2); short protein forms K182E.
Identifiers: ClinVar variation 518261 (VCV000518261.13), dbSNP rs77067228, ClinGen allele CA8183281.